The following is an entry in ClinVar:

ClinVar aggregate classification (germline): Uncertain significance (1 of 4 stars; one submission).

Conditions:
Vici syndrome (VICIS). Identifiers: Orphanet 1493, MedGen C1855772, MONDO:0009452, OMIM 242840.

Allele frequency attached by ClinVar (database versions not stated): gnomAD exomes below 0.00001 and 0.00001; TOPMed below 0.00001; ExAC 0.00001; gnomAD 0.00003.
gnomAD v4.1: 4 of 1,614,154 alleles (0.00025%); highest among the groups gnomAD compares: Middle Eastern, 0.049%; no homozygotes.

Submission:

Labcorp Genetics (formerly Invitae), Labcorp
Classification: Uncertain significance for Vici syndrome. Last evaluated: 2022-07-12. Review status: criteria provided, single submitter. Criteria: Invitae Variant Classification Sherloc (09022015). Collection method: clinical testing. Allele origin: germline.
Comment: This sequence change replaces leucine, which is neutral and non-polar, with valine, which is neutral and non-polar, at codon 230 of the EPG5 protein (p.Leu230Val). This variant is present in population databases (rs774387511, gnomAD 0.003%). This variant has not been reported in the literature in individuals affected with EPG5-related conditions. ClinVar contains an entry for this variant (Variation ID: 655879). Algorithms developed to predict the effect of missense changes on protein structure and function (SIFT, PolyPhen-2, Align-GVGD) all suggest that this variant is likely to be tolerated. In summary, the available evidence is currently insufficient to determine the role of this variant in disease. Therefore, it has been classified as a Variant of Uncertain Significance.

NM_020964.3(EPG5):c.688T>G (p.Leu230Val)

Gene: EPG5 (ectopic P-granules 5 autophagy tethering factor; minus strand). Cytogenetic location: 18q21.1.
Variant type: single nucleotide variant.
Coding change: c.688T>G on transcript NM_020964.3 (MANE Select); coding-DNA position 688, T replaced by G.
Protein change: p.Leu230Val; replaces leucine 230 with valine.
Molecular consequence: missense variant.
Genome position (GRCh38, 1-based): chr18:45,954,714, A>C on the plus strand (T>G on the coding strand, the complement: EPG5 is on the minus strand). VCF-style: chr18-45954714-A-C. GRCh37 (hg19) VCF-style: chr18-43534680-A-C.
Other names: c.688T>G, p.Leu230Val (LRG_1234t1); short protein forms L230V.
Identifiers: ClinVar variation 655879 (VCV000655879.7), dbSNP rs774387511, ClinGen allele CA8949907.
Genomic context (GRCh38, chr18:45,954,714, plus strand): 5'-GTTGAGACGGGAGTTCTGGGTAGAGTCGCTCACTGCGAAGCAAGGGTTTCACTGCCACCA[A>C]AGCTGGTGCTTCTCCAGCAATTTCAGCTGGCAACTGGGGATACAGTTTCTTCACTCTAGG-3'
Protein context (NP_066015.2, residues 220-240): PAEIAGEAPA[Leu230Val]VAVKPLLRSE